The following is an entry in ClinVar:

NM_000053.4(ATP7B):c.1449_1456del (p.Arg483fs)

Gene: ATP7B (ATPase copper transporting beta; minus strand). Cytogenetic location: 13q14.3.
Variant type: Deletion.
Coding change: c.1449_1456del on transcript NM_000053.4 (MANE Select); coding-DNA positions 1449 to 1456, 8 bases deleted (AGCAGTGG; older notation c.1449_1456delAGCAGTGG).
Protein change: p.Arg483fs; shifts the reading frame from arginine 483.
Molecular consequence: frameshift variant. On other transcripts: intron variant (1).
Genome position (GRCh38, 1-based): chr13:51,970,579-51,970,586, CCACTGCT deleted on the plus strand (AGCAGTGG on the coding strand, the reverse complement: ATP7B is on the minus strand); deleting any 8 consecutive bases within chr13:51,970,579-51,970,587 gives the same sequence; the c. name uses the placement nearest the transcript's 3' end. VCF-style (leftmost placement, unchanged base first): chr13-51970578-GCCACTGCT-G. GRCh37 (hg19) VCF-style: chr13-52544714-GCCACTGCT-G.
Other names: c.1449_1456del, p.Arg483fs (NM_001005918.3, NM_001330578.2, NM_001330579.2 and 28 more transcripts); c.1116_1123del, p.Arg372fs (NM_001243182.2); c.1353_1360del, p.Arg451fs (NM_001406530.1, NM_001406536.1, NM_001406543.1 and 3 more transcripts); c.1020_1027del, p.Arg340fs (NM_001406539.1); c.1285+3349_1285+3356del (NM_001406548.1); c.1449_1456delAGCAGTGG (NM_000053.4); short protein forms R340fs, R372fs, R451fs, R483fs.
Identifiers: ClinVar variation 3383088 (VCV003383088.3).
Genomic context (GRCh38, chr13:51,970,578, plus strand): 5'-ATGTTAGACACACAGGATGCACAGGTCATGCCTTTGATCTGTAAGAAGCACTTCTGCGGT[GCCACTGCT>G]CTGGTTGATTGTGGGGACTTTGCCAAGATGTCCGGGGCATGGTTTGCAGGGAGCCTCCCA-3'

ClinVar aggregate classification (germline): Pathogenic. Review status: criteria provided, multiple submitters, no conflicts (2 of 4 stars). 2 submissions from 2 submitters: Pathogenic (2). Last evaluated 2024-01-01.

Conditions:
Wilson disease (WND). Also called: Wilson's disease. Identifiers: Orphanet 905, MedGen C0019202, MONDO:0010200, OMIM 277900. Disease mechanism: loss of function.

Submissions (2):

Chongqing Key Laboratory of Child Rare Diseases in Infection and Immunity, Children’s Hospital of Chongqing Medical University
Classification: Pathogenic for Wilson disease. Last evaluated: 2024-01-01. Review status: criteria provided, single submitter. Criteria: ACMG Guidelines, 2015. Collection method: clinical testing. Allele origin: germline. Inheritance: Autosomal recessive inheritance. Affected: yes.
Comment: Classified as Pathogenic according to the ACMG/AMP 2015 guidelines (PMID:25741868). The classification was based on the available submitted evidence for Wilson disease (OMIM:277900), including clinical-testing observations, variant consequence/protein annotation, and published or ClinVar evidence where available. Supporting information considered: variant annotation: p.Arg483SerfsTer20; Frameshift; Protein domain: N-ter (MBD1-6); submitted notation: NM_000053.4:c.1449_1456delAGCAGTGG (p.Arg483SerfsTer20); source variant type: Frameshift; source domain: N-ter (MBD1-6); allele count n=230: 1.

Juno Genomics, Hangzhou Juno Genomics, Inc
Classification: Pathogenic for Wilson disease. Review status: criteria provided, single submitter. Criteria: ACMG Guidelines, 2015. Collection method: clinical testing. Allele origin: germline. Affected: yes.
Comment: Null variant in a gene where loss of function (LOF) is a known mechanism of disease.;Absent from controls (or at extremely low frequency if recessive) in Genome Aggregation Database, Exome Sequencing Project, 1000 Genomes Project, or Exome Aggregation Consortium.;Patient's phenotype or family history is highly specific for a disease with a single genetic etiology.